The following is an entry in ClinVar:

NM_014363.6(SACS):c.604+1G>A

Gene: SACS (sacsin molecular chaperone; minus strand). Cytogenetic location: 13q12.12.
Variant type: single nucleotide variant.
Coding change: c.604+1G>A on transcript NM_014363.6 (MANE Select); the canonical splice donor site of the intron after coding-DNA position 604, G replaced by A.
Molecular consequence: splice donor variant.
Genome position (GRCh38, 1-based): chr13:23,358,334, C>T on the plus strand (G>A on the coding strand, the complement: SACS is on the minus strand). VCF-style: chr13-23358334-C-T. GRCh37 (hg19) VCF-style: chr13-23932473-C-T.
Other names: c.604+1G>A (NM_014363.5); c.163+1G>A (NM_001278055.2).
Identifiers: ClinVar variation 551399 (VCV000551399.6), dbSNP rs1555254734, ClinGen allele CA387551862.

ClinVar aggregate classification (germline): Likely pathogenic. Review status: criteria provided, multiple submitters, no conflicts (2 of 4 stars). 3 submissions from 3 submitters: Likely pathogenic (2). 1 of the submissions does not count toward it. Last evaluated 2023-02-02.

Conditions:
Spastic paraplegia. Identifiers: MedGen C0037772, HP:0001258.
Charlevoix-Saguenay spastic ataxia (SACS). Also called: SPASTIC ATAXIA 6, AUTOSOMAL RECESSIVE; AUTOSOMAL RECESSIVE SPASTIC ATAXIA OF CHARLEVOIX-SAGUENAY; Spastic ataxia of Charlevoix-Saguenay. Identifiers: Orphanet 98, MedGen C1849140, MONDO:0010041, OMIM 270550.

Allele frequency attached by ClinVar (database versions not stated): gnomAD exomes below 0.00001.
gnomAD v4.1: 2 of 1,613,656 alleles (0.00012%); highest among the groups gnomAD compares: Non-Finnish European, 0.00017%; no homozygotes.

Submissions (3):

Labcorp Genetics (formerly Invitae), Labcorp
Classification: Likely pathogenic for Spastic paraplegia. Last evaluated: 2023-02-02. Review status: criteria provided, single submitter. Criteria: Invitae Variant Classification Sherloc (09022015). Collection method: clinical testing. Allele origin: germline.
Comment: This sequence change affects a donor splice site in intron 7 of the SACS gene. It is expected to disrupt RNA splicing. Variants that disrupt the donor or acceptor splice site typically lead to a loss of protein function (PMID: 16199547), and loss-of-function variants in SACS are known to be pathogenic (PMID: 18465152, 20876471). This variant is not present in population databases (gnomAD no frequency). Disruption of this splice site has been observed in individual(s) with autosomal recessive spastic ataxia of Charlevoix-Saguenay (PMID: 30638817). ClinVar contains an entry for this variant (Variation ID: 551399). Algorithms developed to predict the effect of sequence changes on RNA splicing suggest that this variant may disrupt the consensus splice site. In summary, the currently available evidence indicates that the variant is pathogenic, but additional data are needed to prove that conclusively. Therefore, this variant has been classified as Likely Pathogenic.

PROSPAX: an integrated multimodal progression  chart in spastic ataxias, Center for Neurology; Hertie-Institute for Clinical Brain Research
Classification: Likely pathogenic for Charlevoix-Saguenay spastic ataxia. Last evaluated: 2022-01-01. Review status: criteria provided, single submitter. Criteria: ACMG Guidelines, 2015. Collection method: research. Allele origin: germline. Affected: yes.
Comment: Variant seen in compound het: [c.2182C>T;c.604+1G>A]

Counsyl
Classification: Likely pathogenic for Charlevoix-Saguenay spastic ataxia. Last evaluated: 2017-04-06. Review status: no assertion criteria provided. Collection method: clinical testing. Allele origin: unknown. Not counted in ClinVar's aggregate classification.

Literature cited by the submitters: PubMed 16199547 (cited by Labcorp Genetics (formerly Invitae), Labcorp); PubMed 18465152 (cited by Labcorp Genetics (formerly Invitae), Labcorp); PubMed 20876471 (cited by Labcorp Genetics (formerly Invitae), Labcorp); PubMed 30638817 (cited by Labcorp Genetics (formerly Invitae), Labcorp).